The following is an entry in ClinVar:

NM_139321.3(ATRN):c.1880A>G (p.Tyr627Cys)

Gene: ATRN (attractin; plus strand). Cytogenetic location: 20p13.
Variant type: single nucleotide variant.
Coding change: c.1880A>G on transcript NM_139321.3 (MANE Select); coding-DNA position 1880, A replaced by G.
Protein change: p.Tyr627Cys; replaces tyrosine 627 with cysteine.
Molecular consequence: missense variant.
Genome position (GRCh38, 1-based): chr20:3,572,739, A>G. VCF-style: chr20-3572739-A-G. GRCh37 (hg19) VCF-style: chr20-3553386-A-G.
Other names: c.1532A>G, p.Tyr511Cys (NM_001207047.3); c.1880A>G, p.Tyr627Cys (NM_001323332.2, NM_139322.4); short protein forms Y627C, Y511C.
Identifiers: ClinVar variation 4775455 (VCV004775455.1).

ClinVar aggregate classification (germline): Uncertain significance (1 of 4 stars; one submission).

gnomAD v4.1: 5 of 1,613,192 alleles (0.00031%); highest among the groups gnomAD compares: Non-Finnish European, 0.00025%; no homozygotes.

Submission:

Labcorp Genetics (formerly Invitae), Labcorp
Classification: Uncertain significance. Last evaluated: 2025-06-05. Review status: criteria provided, single submitter. Criteria: Invitae Variant Classification Sherloc (09022015). Collection method: clinical testing. Allele origin: germline.
Comment: This sequence change replaces tyrosine, which is neutral and polar, with cysteine, which is neutral and slightly polar, at codon 627 of the ATRN protein (p.Tyr627Cys). This variant is not present in population databases (gnomAD no frequency). This variant has not been reported in the literature in individuals affected with ATRN-related conditions. An algorithm developed to predict the effect of missense changes on protein structure and function (PolyPhen-2) suggests that this variant is likely to be disruptive. In summary, the available evidence is currently insufficient to determine the role of this variant in disease. Therefore, it has been classified as a Variant of Uncertain Significance.